The following is an entry in ClinVar:

NM_020461.4(TUBGCP6):c.478G>A (p.Val160Ile)

Gene: TUBGCP6 (tubulin gamma complex component 6; minus strand). Cytogenetic location: 22q13.33.
Variant type: single nucleotide variant.
Coding change: c.478G>A on transcript NM_020461.4 (MANE Select); coding-DNA position 478, G replaced by A.
Protein change: p.Val160Ile; replaces valine 160 with isoleucine.
Molecular consequence: missense variant.
Genome position (GRCh38, 1-based): chr22:50,243,982, C>T on the plus strand (G>A on the coding strand, the complement: TUBGCP6 is on the minus strand). VCF-style: chr22-50243982-C-T. GRCh37 (hg19) VCF-style: chr22-50682411-C-T.
Other names: short protein forms V160I.
Identifiers: ClinVar variation 3812428 (VCV003812428.2).

ClinVar aggregate classification (germline): Uncertain significance. Review status: criteria provided, multiple submitters, no conflicts (2 of 4 stars). 2 submissions from 2 submitters: Uncertain significance (2). Last evaluated 2026-03-05.

Conditions:
Inborn genetic diseases. Identifiers: MedGen C0950123, MeSH D030342.

gnomAD v4.1: 9 of 1,614,042 alleles (0.00056%); highest among the groups gnomAD compares: Admixed American, 0.0017%; no homozygotes.

Submissions (2):

Women's Health and Genetics/Laboratory Corporation of America, LabCorp
Classification: Uncertain significance. Last evaluated: 2026-03-05. Review status: criteria provided, single submitter. Criteria: LabCorp Variant Classification Summary - May 2015. Collection method: clinical testing. Allele origin: germline.
Comment: Variant summary: TUBGCP6 c.478G>A (p.Val160Ile) results in a conservative amino acid change in the encoded protein sequence. Algorithms developed to predict the effect of missense changes on protein structure and function all suggest that this variant is likely to be tolerated. The variant allele was found at a frequency of 4e-06 in 251328 control chromosomes. The available data on variant occurrences in the general population are insufficient to allow any conclusion about variant significance. To our knowledge, no occurrence of c.478G>A in individuals affected with TUBGCP6-related conditions and no experimental evidence demonstrating its impact on protein function have been reported. ClinVar contains an entry for this variant (Variation ID: 3812428). Based on the evidence outlined above, the variant was classified as uncertain significance.

Ambry Genetics
Classification: Uncertain significance for Inborn genetic diseases. Last evaluated: 2025-01-08. Review status: criteria provided, single submitter. Criteria: Ambry Variant Classification Scheme 2023. Collection method: clinical testing. Allele origin: germline.